The following is an entry in ClinVar:

NM_004415.4(DSP):c.1614C>G (p.Asn538Lys)

Gene: DSP (desmoplakin; plus strand). Cytogenetic location: 6p24.3.
Variant type: single nucleotide variant.
Coding change: c.1614C>G on transcript NM_004415.4 (MANE Select); coding-DNA position 1614, C replaced by G.
Protein change: p.Asn538Lys; replaces asparagine 538 with lysine.
Molecular consequence: missense variant.
Genome position (GRCh38, 1-based): chr6:7,570,476, C>G. VCF-style: chr6-7570476-C-G. GRCh37 (hg19) VCF-style: chr6-7570709-C-G.
Other names: c.1614C>G, p.Asn538Lys (NM_001008844.3, NM_001319034.2); short protein forms N538K.
Identifiers: ClinVar variation 927369 (VCV000927369.4), dbSNP rs1759010824, ClinGen allele CA362678156.

ClinVar aggregate classification (germline): Uncertain significance (1 of 4 stars; one submission).

Conditions:
Cardiomyopathy (CMYO). Also called: Cardiomyopathies. Identifiers: Orphanet 167848, MedGen C0878544, MONDO:0004994, HP:0001638. Inheritance: Various modes of inheritance.

Submission:

Color Diagnostics, LLC DBA Color Health
Classification: Uncertain significance for Cardiomyopathy. Last evaluated: 2024-03-06. Review status: criteria provided, single submitter. Criteria: ACMG Guidelines, 2015. Collection method: clinical testing. Allele origin: germline.
Comment: This missense variant replaces asparagine with lysine at codon 538 of the DSP protein. Computational prediction tool suggests that this variant may not impact protein structure and function (internally defined REVEL score threshold <=0.5, PMID: 27666373). Splice site prediction tools suggest that this variant may not impact RNA splicing. To our knowledge, functional studies have not been performed for this variant. This variant has not been reported in individuals affected with cardiovascular disorders in the literature. This variant has not been identified in the general population by the Genome Aggregation Database (gnomAD). The available evidence is insufficient to determine the role of this variant in disease conclusively. Therefore, this variant is classified as a Variant of Uncertain Significance.